The following is an entry in ClinVar:

NM_001204.7(BMPR2):c.2302G>A (p.Glu768Lys)

Gene: BMPR2 (bone morphogenetic protein receptor type 2; plus strand). Cytogenetic location: 2q33.2.
Variant type: single nucleotide variant.
Coding change: c.2302G>A on transcript NM_001204.7 (MANE Select); coding-DNA position 2302, G replaced by A.
Protein change: p.Glu768Lys; replaces glutamic acid 768 with lysine.
Molecular consequence: missense variant.
Genome position (GRCh38, 1-based): chr2:202,555,967, G>A. VCF-style: chr2-202555967-G-A. GRCh37 (hg19) VCF-style: chr2-203420690-G-A.
Other names: short protein forms E768K.
Identifiers: ClinVar variation 4867587 (VCV004867587.1).

ClinVar aggregate classification (germline): Uncertain significance (1 of 4 stars; one submission).

Conditions:
Inborn genetic diseases. Identifiers: MedGen C0950123, MeSH D030342.

gnomAD v4.1: 1 of 1,614,010 alleles (0.000062%); highest among the groups gnomAD compares: Non-Finnish European, 0.000085%; no homozygotes.

Submission:

Ambry Genetics
Classification: Uncertain significance for Inborn genetic diseases. Last evaluated: 2026-03-31. Review status: criteria provided, single submitter. Criteria: Ambry Variant Classification Scheme 2023. Collection method: clinical testing. Allele origin: germline.
Comment: The p.E768K variant (also known as c.2302G>A), located in coding exon 12 of the BMPR2 gene, results from a G to A substitution at nucleotide position 2302. The glutamic acid at codon 768 is replaced by lysine, an amino acid with similar properties. This amino acid position is conserved. In addition, the in silico prediction for this alteration is inconclusive. Based on the available evidence, the clinical significance of this variant remains unclear.